The following is an entry in ClinVar:

NM_004036.5(ADCY3):c.107A>C (p.His36Pro)

Gene: ADCY3 (adenylate cyclase 3; minus strand). Cytogenetic location: 2p23.3.
Variant type: single nucleotide variant.
Coding change: c.107A>C on transcript NM_004036.5 (MANE Select); coding-DNA position 107, A replaced by C.
Protein change: p.His36Pro; replaces histidine 36 with proline.
Molecular consequence: missense variant.
Genome position (GRCh38, 1-based): chr2:24,918,881, T>G on the plus strand (A>C on the coding strand, the complement: ADCY3 is on the minus strand). VCF-style: chr2-24918881-T-G. GRCh37 (hg19) VCF-style: chr2-25141750-T-G.
Other names: c.107A>C, p.His36Pro (NM_001320613.2, NM_001377128.1, NM_001377129.1 and 2 more transcripts); short protein forms H36P.
Identifiers: ClinVar variation 3350434 (VCV003350434.2).

ClinVar aggregate classification (germline): Uncertain significance (1 of 4 stars; one submission).

Conditions:
ADCY3-related disorder. Also called: ADCY3-related condition.

gnomAD v4.1: 56 of 1,612,864 alleles (0.0035%); highest among the groups gnomAD compares: Non-Finnish European, 0.0047%; no homozygotes.

Submission:

PreventionGenetics, part of Exact Sciences
Classification: Uncertain significance for ADCY3-related condition. Last evaluated: 2025-05-28. Review status: criteria provided, single submitter. Criteria: ACMG Guidelines, 2015. Collection method: clinical testing. Allele origin: germline.
Comment: The ADCY3 c.107A>C variant is predicted to result in the amino acid substitution p.His36Pro. To our knowledge, this variant has not been reported in the literature. This variant is reported in 0.0027% of alleles in individuals of European (non-Finnish) descent in gnomAD. At this time, the clinical significance of this variant is uncertain due to the absence of conclusive functional and genetic evidence.